The following is an entry in ClinVar:

NM_018706.7(DHTKD1):c.113C>G (p.Pro38Arg)

Genes: DHTKD1 (dehydrogenase E1 and transketolase domain containing 1; plus strand), LOC130003343 (ATAC-STARR-seq lymphoblastoid silent region 2137; plus strand). Cytogenetic location: 10p14.
Variant type: single nucleotide variant.
Coding change: c.113C>G on transcript NM_018706.7 (MANE Select); coding-DNA position 113, C replaced by G.
Protein change: p.Pro38Arg; replaces proline 38 with arginine.
Molecular consequence: missense variant.
Genome position (GRCh38, 1-based): chr10:12,069,146, C>G. VCF-style: chr10-12069146-C-G. GRCh37 (hg19) VCF-style: chr10-12111145-C-G.
Other names: short protein forms P38R.
Identifiers: ClinVar variation 2169070 (VCV002169070.4), dbSNP rs747745404, ClinGen allele CA376012031.

ClinVar aggregate classification (germline): Uncertain significance (1 of 4 stars; one submission).

Conditions:
2-aminoadipic 2-oxoadipic aciduria (AAKAD). Also called: Aminoadipic aciduria; ALPHA-AMINOADIPIC AND ALPHA-KETOADIPIC ACIDURIA. Identifiers: Orphanet 79154, MedGen C1859817, MONDO:0008774, OMIM 204750.

Submission:

Labcorp Genetics (formerly Invitae), Labcorp
Classification: Uncertain significance for 2-aminoadipic 2-oxoadipic aciduria. Last evaluated: 2022-09-01. Review status: criteria provided, single submitter. Criteria: Invitae Variant Classification Sherloc (09022015). Collection method: clinical testing. Allele origin: germline.
Comment: In summary, the available evidence is currently insufficient to determine the role of this variant in disease. Therefore, it has been classified as a Variant of Uncertain Significance. Algorithms developed to predict the effect of missense changes on protein structure and function (SIFT, PolyPhen-2, Align-GVGD) all suggest that this variant is likely to be tolerated. This variant has not been reported in the literature in individuals affected with DHTKD1-related conditions. This variant is not present in population databases (gnomAD no frequency). This sequence change replaces proline, which is neutral and non-polar, with arginine, which is basic and polar, at codon 38 of the DHTKD1 protein (p.Pro38Arg).